The following is an entry in ClinVar:

ClinVar aggregate classification (germline): Uncertain significance (1 of 4 stars; one submission).

gnomAD v4.1: 1 of 1,608,764 alleles (0.000062%); no homozygotes.

Submission:

Women's Health and Genetics/Laboratory Corporation of America, LabCorp
Classification: Uncertain significance. Last evaluated: 2026-01-05. Review status: criteria provided, single submitter. Criteria: LabCorp Variant Classification Summary - May 2015. Collection method: clinical testing. Allele origin: germline.
Comment: Variant summary: TRIM2 c.1312G>T (p.Val438Phe) results in a non-conservative amino acid change in the encoded protein sequence. Algorithms developed to predict the effect of missense changes on protein structure and function are either unavailable or do not agree on the potential impact of this missense change. The variant was absent in 245242 control chromosomes. The available data on variant occurrences in the general population are insufficient to allow any conclusion about variant significance. To our knowledge, no occurrence of c.1312G>T in individuals affected with TRIM2-related conditions and no experimental evidence demonstrating its impact on protein function have been reported. No submitters have cited clinical-significance assessments for this variant to ClinVar. Based on the evidence outlined above, the variant was classified as uncertain significance.

NM_015271.5(TRIM2):c.1393G>T (p.Val465Phe)

Gene: TRIM2 (tripartite motif containing 2; plus strand). Cytogenetic location: 4q31.3.
Variant type: single nucleotide variant.
Coding change: c.1393G>T on transcript NM_015271.5 (MANE Select); coding-DNA position 1393, G replaced by T.
Protein change: p.Val465Phe; replaces valine 465 with phenylalanine.
Molecular consequence: missense variant.
Genome position (GRCh38, 1-based): chr4:153,295,919, G>T. VCF-style: chr4-153295919-G-T. GRCh37 (hg19) VCF-style: chr4-154217071-G-T.
Other names: c.1312G>T, p.Val438Phe (NM_001130067.2, NM_001351056.2, NM_001375512.1 and 10 more transcripts); c.1366G>T, p.Val456Phe (NM_001351054.2); c.1363G>T, p.Val455Phe (NM_001351055.2); c.937G>T, p.Val313Phe (NM_001351057.2); c.1486G>T, p.Val496Phe (NM_001375488.1); c.1483G>T, p.Val495Phe (NM_001375489.1); c.1336G>T, p.Val446Phe (NM_001375490.1); c.1333G>T, p.Val445Phe (NM_001375491.1); and 5 more; short protein forms V313F, V352F, V353F, V354F, V438F, V445F, V446F, V455F.
Identifiers: ClinVar variation 4689651 (VCV004689651.1).